The following is an entry in ClinVar:

NM_004369.4(COL6A3):c.1559G>C (p.Gly520Ala)

Gene: COL6A3 (collagen type VI alpha 3 chain; minus strand). Cytogenetic location: 2q37.3.
Variant type: single nucleotide variant.
Coding change: c.1559G>C on transcript NM_004369.4 (MANE Select); coding-DNA position 1559, G replaced by C.
Protein change: p.Gly520Ala; replaces glycine 520 with alanine.
Molecular consequence: missense variant.
Genome position (GRCh38, 1-based): chr2:237,381,253, C>G on the plus strand (G>C on the coding strand, the complement: COL6A3 is on the minus strand). VCF-style: chr2-237381253-C-G. GRCh37 (hg19) VCF-style: chr2-238289896-C-G.
Other names: c.338G>C, p.Gly113Ala (NM_057164.5, NM_057166.5); c.941G>C, p.Gly314Ala (NM_057165.5, NM_057167.4); c.1559G>C (NM_004369.3); short protein forms G520A, G113A, G314A.
Identifiers: ClinVar variation 1476699 (VCV001476699.32), dbSNP rs770496206, ClinGen allele CA2189597.

ClinVar aggregate classification (germline): Uncertain significance. Review status: criteria provided, multiple submitters, no conflicts (2 of 4 stars). 4 submissions from 4 submitters: Uncertain significance (4). Last evaluated 2025-07-19.

Conditions:
Inborn genetic diseases. Identifiers: MedGen C0950123, MeSH D030342.
Bethlem myopathy 1A. Also called: Bethlem myopathy 1; Bethlem Muscular Dystrophy; MYOPATHY, BENIGN CONGENITAL, WITH CONTRACTURES. Identifiers: Orphanet 610, MedGen CN029274, MONDO:0024530, OMIM 158810.

Allele frequency attached by ClinVar (database versions not stated): ExAC 0.00001; gnomAD 0.00001; gnomAD exomes 0.00001; TOPMed 0.00001.
gnomAD v4.1: 12 of 1,614,134 alleles (0.00074%); highest among the groups gnomAD compares: Non-Finnish European, 0.001%; no homozygotes.

Submissions (4):

Labcorp Genetics (formerly Invitae), Labcorp
Classification: Uncertain significance for Bethlem myopathy 1A. Last evaluated: 2025-07-19. Review status: criteria provided, single submitter. Criteria: Invitae Variant Classification Sherloc (09022015). Collection method: clinical testing. Allele origin: germline.
Comment: This sequence change replaces glycine, which is neutral and non-polar, with alanine, which is neutral and non-polar, at codon 520 of the COL6A3 protein (p.Gly520Ala). This variant is present in population databases (rs770496206, gnomAD 0.003%). This variant has not been reported in the literature in individuals affected with COL6A3-related conditions. ClinVar contains an entry for this variant (Variation ID: 1476699). Invitae Evidence Modeling of protein sequence and biophysical properties (such as structural, functional, and spatial information, amino acid conservation, physicochemical variation, residue mobility, and thermodynamic stability) indicates that this missense variant is not expected to disrupt COL6A3 protein function with a negative predictive value of 95%. In summary, the available evidence is currently insufficient to determine the role of this variant in disease. Therefore, it has been classified as a Variant of Uncertain Significance.

Ambry Genetics
Classification: Uncertain significance for Inborn genetic diseases. Last evaluated: 2025-04-02. Review status: criteria provided, single submitter. Criteria: Ambry Variant Classification Scheme 2023. Collection method: clinical testing. Allele origin: germline.

Revvity Omics, Revvity
Classification: Uncertain significance. Last evaluated: 2023-11-30. Review status: criteria provided, single submitter. Criteria: ACMG Guidelines, 2015. Collection method: clinical testing. Allele origin: germline.

CeGaT Center for Human Genetics Tuebingen
Classification: Uncertain significance. Last evaluated: 2022-11-01. Review status: criteria provided, single submitter. Criteria: CeGaT Center For Human Genetics Tuebingen Variant Classification Criteria Version 2. Collection method: clinical testing. Allele origin: germline. Affected: yes. Observed: 1 variant allele.
Comment: COL6A3: PM2, BP4